The following is an entry in ClinVar:

ClinVar aggregate classification (germline): Uncertain significance (1 of 4 stars; one submission).

Submission:

Labcorp Genetics (formerly Invitae), Labcorp
Classification: Uncertain significance. Last evaluated: 2025-02-13. Review status: criteria provided, single submitter. Criteria: Invitae Variant Classification Sherloc (09022015). Collection method: clinical testing. Allele origin: germline.
Comment: This sequence change replaces cysteine, which is neutral and slightly polar, with arginine, which is basic and polar, at codon 229 of the SRP54 protein (p.Cys229Arg). This variant is not present in population databases (gnomAD no frequency). This variant has not been reported in the literature in individuals affected with SRP54-related conditions. Invitae Evidence Modeling of protein sequence and biophysical properties (such as structural, functional, and spatial information, amino acid conservation, physicochemical variation, residue mobility, and thermodynamic stability) indicates that this missense variant is expected to disrupt SRP54 protein function with a positive predictive value of 80%. In summary, the available evidence is currently insufficient to determine the role of this variant in disease. Therefore, it has been classified as a Variant of Uncertain Significance.

NM_003136.4(SRP54):c.685T>C (p.Cys229Arg)

Gene: SRP54 (signal recognition particle 54; plus strand). Cytogenetic location: 14q13.2.
Variant type: single nucleotide variant.
Coding change: c.685T>C on transcript NM_003136.4 (MANE Select); coding-DNA position 685, T replaced by C.
Protein change: p.Cys229Arg; replaces cysteine 229 with arginine.
Molecular consequence: missense variant.
Genome position (GRCh38, 1-based): chr14:35,013,394, T>C. VCF-style: chr14-35013394-T-C. GRCh37 (hg19) VCF-style: chr14-35482600-T-C.
Other names: c.538T>C, p.Cys180Arg (NM_001146282.2); c.685T>C, p.Cys229Arg (NM_001411017.1, NM_001440813.1); short protein forms C180R, C229R.
Identifiers: ClinVar variation 4743999 (VCV004743999.1).
Genomic context (GRCh38, chr14:35,013,394, plus strand): 5'-TAAACTTTCTAGCAACCTGATAACATTGTTTATGTGATGGATGCCTCCATTGGGCAGGCT[T>C]GTGAAGCCCAGGCTAAGGCTTTTAAAGATAAAGTAGATGTAGCCTCAGTAATAGTGACAA-3'
Protein context (NP_003127.1, residues 219-239): YVMDASIGQA[Cys229Arg]EAQAKAFKDK